The following is an entry in ClinVar:

ClinVar aggregate classification (germline): Uncertain significance (1 of 4 stars; one submission).

Submission:

GeneDx
Classification: Uncertain significance. Last evaluated: 2023-04-17. Review status: criteria provided, single submitter. Criteria: GeneDx Variant Classification Process June 2021. Collection method: clinical testing. Allele origin: germline. Affected: yes.
Comment: Not observed at significant frequency in large population cohorts (gnomAD); In silico analysis supports that this missense variant does not alter protein structure/function; Has not been previously published as pathogenic or benign to our knowledge

NM_003106.4(SOX2):c.360G>C (p.Met120Ile)

Genes: SOX2 (SRY-box transcription factor 2; plus strand), SOX2-OT (SOX2 overlapping transcript; plus strand), LOC108281177 (SOX2 5' regulatory region; plus strand). Cytogenetic location: 3q26.33.
Variant type: single nucleotide variant.
Coding change: c.360G>C on transcript NM_003106.4 (MANE Select); coding-DNA position 360, G replaced by C.
Protein change: p.Met120Ile; replaces methionine 120 with isoleucine.
Molecular consequence: missense variant.
Genome position (GRCh38, 1-based): chr3:181,712,720, G>C. VCF-style: chr3-181712720-G-C. GRCh37 (hg19) VCF-style: chr3-181430508-G-C.
Other names: short protein forms M120I.
Identifiers: ClinVar variation 3338767 (VCV003338767.1).